The following is an entry in ClinVar:

NM_001127392.3(MYRF):c.2247+3A>C

Gene: MYRF (myelin regulatory factor; plus strand). Cytogenetic location: 11q12.2.
Variant type: single nucleotide variant.
Coding change: c.2247+3A>C on transcript NM_001127392.3 (MANE Select); 3 bases into the intron after coding-DNA position 2247, A replaced by C.
Molecular consequence: intron variant.
Genome position (GRCh38, 1-based): chr11:61,779,573, A>C. VCF-style: chr11-61779573-A-C. GRCh37 (hg19) VCF-style: chr11-61547045-A-C.
Other names: c.2220+3A>C (NM_013279.4).
Identifiers: ClinVar variation 4850138 (VCV004850138.1).

ClinVar aggregate classification (germline): Likely pathogenic (1 of 4 stars; one submission).

Conditions:
Cardiac-urogenital syndrome (CUGS). Also called: MYRF-Related Cardiac Urogenital Syndrome. Identifiers: Orphanet 647811, MedGen C4748946, MONDO:0032653, OMIM 618280.

Submission:

Variantyx, Inc.
Classification: Likely pathogenic for Cardiac-urogenital syndrome. Last evaluated: 2025-12-07. Review status: criteria provided, single submitter. Criteria: Variantyx Assertion Criteria 2022. Collection method: clinical testing. Allele origin: de novo. Inheritance: Autosomal dominant inheritance. Affected: yes.
Comment: This is a noncanonical splicing variant in the MYRF gene (OMIM: 608329). Pathogenic variants in this gene have been associated with autosomal dominant cardiac-urogenital syndrome. This variant has not been reported in individuals with MYRF-related disorders in the databases available for review. Algorithms that predict the potential impact of sequence variants on RNA splicing suggest that this variant may disrupt normal splicing (PP3). This variant is absent from control populations (PM2). Based on the current evidence, this variant is classified as likely pathogenic for autosomal dominant cardiac-urogenital syndrome.